The following is an entry in ClinVar:

NM_005257.6(GATA6):c.1486A>T (p.Lys496Ter)

Gene: GATA6 (GATA binding protein 6; plus strand). Cytogenetic location: 18q11.2.
Variant type: single nucleotide variant.
Coding change: c.1486A>T on transcript NM_005257.6 (MANE Select); coding-DNA position 1486, A replaced by T.
Protein change: p.Lys496Ter; replaces lysine 496 with a stop codon.
Molecular consequence: nonsense.
Genome position (GRCh38, 1-based): chr18:22,182,814, A>T. VCF-style: chr18-22182814-A-T. GRCh37 (hg19) VCF-style: chr18-19762775-A-T.
Other names: short protein forms K496*.
Identifiers: ClinVar variation 4731459 (VCV004731459.1).

ClinVar aggregate classification (germline): Pathogenic (1 of 4 stars; one submission).

Conditions:
Atrioventricular septal defect 5 (AVSD5). Identifiers: MedGen C3280939, MONDO:0013769, OMIM 614474.

Submission:

Labcorp Genetics (formerly Invitae), Labcorp
Classification: Pathogenic for Atrioventricular septal defect 5. Last evaluated: 2025-11-18. Review status: criteria provided, single submitter. Criteria: Invitae Variant Classification Sherloc (09022015). Collection method: clinical testing. Allele origin: germline.
Comment: This sequence change creates a premature translational stop signal (p.Lys496*) in the GATA6 gene. It is expected to result in an absent or disrupted protein product. Loss-of-function variants in GATA6 are known to be pathogenic (PMID: 22158542, 24310933). This variant is not present in population databases (gnomAD no frequency). This variant has not been reported in the literature in individuals affected with GATA6-related conditions. Algorithms developed to predict the effect of sequence changes on RNA splicing suggest that this variant may disrupt the consensus splice site. For these reasons, this variant has been classified as Pathogenic.

Literature cited by the submitters: PubMed 22158542; PubMed 24310933.